The following is an entry in ClinVar:

ClinVar aggregate classification (germline): Uncertain significance (1 of 4 stars; one submission).

Conditions:
LAMA2-related muscular dystrophy (LAMA2-RD). Also called: Laminin alpha 2-related dystrophy. Identifiers: MedGen C5679788, MONDO:0100228.

Submission:

Labcorp Genetics (formerly Invitae), Labcorp
Classification: Uncertain significance for LAMA2-related muscular dystrophy. Last evaluated: 2024-02-23. Review status: criteria provided, single submitter. Criteria: Invitae Variant Classification Sherloc (09022015). Collection method: clinical testing. Allele origin: germline.
Comment: This sequence change replaces leucine, which is neutral and non-polar, with proline, which is neutral and non-polar, at codon 2109 of the LAMA2 protein (p.Leu2109Pro). This variant is not present in population databases (gnomAD no frequency). This missense change has been observed in individual(s) with clinical features of LAMA2-related conditions (Invitae). ClinVar contains an entry for this variant (Variation ID: 2051175). Advanced modeling of protein sequence and biophysical properties (such as structural, functional, and spatial information, amino acid conservation, physicochemical variation, residue mobility, and thermodynamic stability) performed at Invitae indicates that this missense variant is not expected to disrupt LAMA2 protein function with a negative predictive value of 95%. In summary, the available evidence is currently insufficient to determine the role of this variant in disease. Therefore, it has been classified as a Variant of Uncertain Significance.

NM_000426.4(LAMA2):c.6326T>C (p.Leu2109Pro)

Gene: LAMA2 (laminin subunit alpha 2; plus strand). Cytogenetic location: 6q22.33.
Variant type: single nucleotide variant.
Coding change: c.6326T>C on transcript NM_000426.4 (MANE Select); coding-DNA position 6326, T replaced by C.
Protein change: p.Leu2109Pro; replaces leucine 2109 with proline.
Molecular consequence: missense variant.
Genome position (GRCh38, 1-based): chr6:129,445,718, T>C. VCF-style: chr6-129445718-T-C. GRCh37 (hg19) VCF-style: chr6-129766863-T-C.
Other names: c.6326T>C, p.Leu2109Pro (NM_001079823.2); short protein forms L2109P.
Identifiers: ClinVar variation 2051175 (VCV002051175.4), dbSNP rs2533398810, ClinGen allele CA365631798.